The following is an entry in ClinVar:

NM_014956.5(CEP164):c.2126C>T (p.Ala709Val)

Gene: CEP164 (centrosomal protein 164; plus strand). Cytogenetic location: 11q23.3.
Variant type: single nucleotide variant.
Coding change: c.2126C>T on transcript NM_014956.5 (MANE Select); coding-DNA position 2126, C replaced by T.
Protein change: p.Ala709Val; replaces alanine 709 with valine.
Molecular consequence: missense variant.
Genome position (GRCh38, 1-based): chr11:117,391,058, C>T. VCF-style: chr11-117391058-C-T. GRCh37 (hg19) VCF-style: chr11-117261774-C-T.
Other names: c.2135C>T, p.Ala712Val (NM_001271933.2); short protein forms A712V, A709V.
Identifiers: ClinVar variation 1349585 (VCV001349585.8), dbSNP rs2136323172, ClinGen allele CA382722892.

ClinVar aggregate classification (germline): Uncertain significance (1 of 4 stars; one submission).

Conditions:
Nephronophthisis 15 (NPHP15). Identifiers: Orphanet 3156, MedGen C3541853, MONDO:0013917, OMIM 614845.

Submission:

Labcorp Genetics (formerly Invitae), Labcorp
Classification: Uncertain significance for Nephronophthisis 15. Last evaluated: 2022-09-13. Review status: criteria provided, single submitter. Criteria: Invitae Variant Classification Sherloc (09022015). Collection method: clinical testing. Allele origin: germline.
Comment: In summary, the available evidence is currently insufficient to determine the role of this variant in disease. Therefore, it has been classified as a Variant of Uncertain Significance. Algorithms developed to predict the effect of sequence changes on RNA splicing suggest that this variant may create or strengthen a splice site. Advanced modeling of protein sequence and biophysical properties (such as structural, functional, and spatial information, amino acid conservation, physicochemical variation, residue mobility, and thermodynamic stability) performed at Invitae indicates that this missense variant is not expected to disrupt CEP164 protein function. ClinVar contains an entry for this variant (Variation ID: 1349585). This variant has not been reported in the literature in individuals affected with CEP164-related conditions. This variant is not present in population databases (gnomAD no frequency). This sequence change replaces alanine, which is neutral and non-polar, with valine, which is neutral and non-polar, at codon 709 of the CEP164 protein (p.Ala709Val).